The following is an entry in ClinVar:

NM_032242.4(PLXNA1):c.542G>A (p.Gly181Asp)

Gene: PLXNA1 (plexin A1; plus strand). Cytogenetic location: 3q21.3.
Variant type: single nucleotide variant.
Coding change: c.542G>A on transcript NM_032242.4 (MANE Select); coding-DNA position 542, G replaced by A.
Protein change: p.Gly181Asp; replaces glycine 181 with aspartic acid.
Molecular consequence: missense variant.
Genome position (GRCh38, 1-based): chr3:126,989,135, G>A. VCF-style: chr3-126989135-G-A. GRCh37 (hg19) VCF-style: chr3-126707978-G-A.
Other names: short protein forms G181D.
Identifiers: ClinVar variation 2636904 (VCV002636904.2), dbSNP rs200092438, ClinGen allele CA2592995.

ClinVar aggregate classification (germline): Uncertain significance (1 of 4 stars; one submission).

Conditions:
PLXNA1-related disorder. Also called: PLXNA1-related condition.

Allele frequency attached by ClinVar (database versions not stated): TOPMed 0.00002; gnomAD 0.00003; gnomAD exomes 0.00003; ESP Exome Variant Server 0.00008; ExAC 0.00013.
gnomAD v4.1: 55 of 1,613,176 alleles (0.0034%); highest among the groups gnomAD compares: South Asian, 0.012%; no homozygotes.

Submission:

PreventionGenetics, part of Exact Sciences
Classification: Uncertain significance for PLXNA1-related condition. Last evaluated: 2026-04-07. Review status: criteria provided, single submitter. Criteria: ACMG Guidelines, 2015. Collection method: clinical testing. Allele origin: germline.
Comment: The PLXNA1 c.542G>A variant is predicted to result in the amino acid substitution p.Gly181Asp. To our knowledge, this variant has not been reported in the literature. This variant is reported in 0.013% of alleles in individuals of European (Non-Finnish) descent in gnomAD. At this time, the clinical significance of this variant is uncertain due to the absence of conclusive functional and genetic evidence.